The following is an entry in ClinVar:

ClinVar aggregate classification (germline): Likely pathogenic (1 of 4 stars; one submission).

Conditions:
Wilson disease (WND). Also called: Wilson's disease. Identifiers: Orphanet 905, MedGen C0019202, MONDO:0010200, OMIM 277900. Disease mechanism: loss of function.

Submission:

Labcorp Genetics (formerly Invitae), Labcorp
Classification: Likely pathogenic for Wilson disease. Last evaluated: 2018-11-28. Review status: criteria provided, single submitter. Criteria: Invitae Variant Classification Sherloc (09022015). Collection method: clinical testing. Allele origin: germline.
Comment: This variant is an in-frame deletion of the genomic region encompassing exons 17-19 of the ATP7B gene. It preserves the integrity of the reading frame. This variant has not been reported in the literature in individuals with ATP7B-related conditions. However, a deletion encompassing exons 17-18 and part of exon 19 has been observed in an individual affected with Wilson disease (PMID:Â¬â€ 27992490). Experimental studies and prediction algorithms are not available for this variant, and the functional significance of the affected amino acid(s) is currently unknown. This variant disrupts theÂ¬â€ p.Thr1232,Â¬â€ p.Val1262,Â¬â€ p.Asn1270 amino acid residues in ATP7B, which have been observed in individuals with ATP7B-related conditions (PMID: 15024742, 15952988, 15337266,Â¬â€ 10544227, 20485189,Â¬â€ 27398169, 26269689). This suggests that this region is clinically significant. As a result, variants that disrupt this region are likely to be causative of disease. In summary, the currently available evidence indicates that the variant is pathogenic, but additional data are needed to prove that conclusively. Therefore, this variant has been classified as Likely Pathogenic.

Literature cited by the submitters: PubMed 15024742; PubMed 15952988; PubMed 15337266.

NC_000013.11:g.(?_51937256)_(51939213_?)del

Gene: ATP7B (ATPase copper transporting beta; minus strand). Cytogenetic location: 13q14.3.
Variant type: Deletion.
Identifiers: ClinVar variation 661748 (VCV000661748.1).